The following is an entry in ClinVar:

NM_018975.4(TERF2IP):c.370G>A (p.Glu124Lys)

Gene: TERF2IP (TERF2 interacting protein; plus strand). Cytogenetic location: 16q23.1.
Variant type: single nucleotide variant.
Coding change: c.370G>A on transcript NM_018975.4 (MANE Select); coding-DNA position 370, G replaced by A.
Protein change: p.Glu124Lys; replaces glutamic acid 124 with lysine.
Molecular consequence: missense variant. On other transcripts: non-coding transcript variant (1).
Genome position (GRCh38, 1-based): chr16:75,648,252, G>A. VCF-style: chr16-75648252-G-A. GRCh37 (hg19) VCF-style: chr16-75682150-G-A.
Other names: short protein forms E124K.
Identifiers: ClinVar variation 1734187 (VCV001734187.5), dbSNP rs879085846, ClinGen allele CA396817758.
Genomic context (GRCh38, chr16:75,648,252, plus strand): 5'-GCCTCGGCGGCGGACACCGGCTCGGAAGCAAAGCCCGGGGCCCTGGCCGAGGGCGCCGCG[G>A]AGCCGGAGCCGCAGCGGCACGCCGGGCGGATCGCCTTCACGGATGCGGACGACGTAGCCA-3'
Protein context (NP_061848.2, residues 114-134): KPGALAEGAA[Glu124Lys]PEPQRHAGRI

ClinVar aggregate classification (germline): Uncertain significance. Review status: criteria provided, multiple submitters, no conflicts (2 of 4 stars). 2 submissions from 2 submitters: Uncertain significance (2). Last evaluated 2024-09-30.

Allele frequency attached by ClinVar (database versions not stated): TOPMed 0.00001.
gnomAD v4.1: 5 of 1,546,580 alleles (0.00032%); highest among the groups gnomAD compares: Admixed American, 0.0059%; no homozygotes.

Submissions (2):

Labcorp Genetics (formerly Invitae), Labcorp
Classification: Uncertain significance. Last evaluated: 2024-09-30. Review status: criteria provided, single submitter. Criteria: Invitae Variant Classification Sherloc (09022015). Collection method: clinical testing. Allele origin: germline.
Comment: This sequence change replaces glutamic acid, which is acidic and polar, with lysine, which is basic and polar, at codon 124 of the TERF2IP protein (p.Glu124Lys). This variant is present in population databases (no rsID available, gnomAD 0.01%). This variant has not been reported in the literature in individuals affected with TERF2IP-related conditions. ClinVar contains an entry for this variant (Variation ID: 1734187). An algorithm developed to predict the effect of missense changes on protein structure and function outputs the following: PolyPhen-2: "Benign". The lysine amino acid residue is found in multiple mammalian species, which suggests that this missense change does not adversely affect protein function. In summary, the available evidence is currently insufficient to determine the role of this variant in disease. Therefore, it has been classified as a Variant of Uncertain Significance.

Ambry Genetics
Classification: Uncertain significance. Last evaluated: 2024-03-06. Review status: criteria provided, single submitter. Criteria: Ambry Variant Classification Scheme 2023. Collection method: clinical testing. Allele origin: germline.
Comment: The p.E124K variant (also known as c.370G>A), located in coding exon 1 of the TERF2IP gene, results from a G to A substitution at nucleotide position 370. The glutamic acid at codon 124 is replaced by lysine, an amino acid with similar properties. This amino acid position is conserved. In addition, this alteration is predicted to be tolerated by in silico analysis. Since supporting evidence is limited at this time, the clinical significance of this alteration remains unclear.